The following is an entry in ClinVar:

NM_205768.3(ZBTB18):c.1251C>T (p.Asn417=)

Gene: ZBTB18 (zinc finger and BTB domain containing 18; plus strand). Cytogenetic location: 1q44.
Variant type: single nucleotide variant.
Coding change: c.1251C>T on transcript NM_205768.3 (MANE Select); coding-DNA position 1251, C replaced by T.
Protein change: p.Asn417=; no amino-acid change (asparagine 417 retained).
Molecular consequence: synonymous variant. On other transcripts: 3 prime UTR variant (1).
Genome position (GRCh38, 1-based): chr1:244,055,025, C>T. VCF-style: chr1-244055025-C-T. GRCh37 (hg19) VCF-style: chr1-244218327-C-T.
Other names: c.1224C>T, p.Asn408= (NM_001278196.2, NM_006352.5); c.*428C>T (NM_001421566.1).
Identifiers: ClinVar variation 3898183 (VCV003898183.7).
Genomic context (GRCh38, chr1:244,055,025, plus strand): 5'-CCTGAGCACGCACTTCCGCGAGCAGGACGGCATCCGCAGCAAGCCCGCCGCCGATGTCAA[C>T]GTGCCCACGTGCTCGCTGTGTGGGAAGACTTTCTCTTGCATGTACACCCTCAAGCGCCAC-3'
Protein context (NP_991331.1, residues 407-427): GIRSKPAADV[Asn417=]VPTCSLCGKT

ClinVar aggregate classification (germline): Likely benign (1 of 4 stars; one submission).

gnomAD v4.1: 29 of 1,614,106 alleles (0.0018%); highest among the groups gnomAD compares: Middle Eastern, 0.016%; no homozygotes.

Submission:

CeGaT Center for Human Genetics Tuebingen
Classification: Likely benign. Last evaluated: 2025-04-01. Review status: criteria provided, single submitter. Criteria: CeGaT Center For Human Genetics Tuebingen Variant Classification Criteria Version 2. Collection method: clinical testing. Allele origin: germline. Affected: yes. Observed: 1 variant allele.
Comment: ZBTB18: BP4, BP7